The following is an entry in ClinVar:

NM_194318.4(B3GLCT):c.716A>G (p.Glu239Gly)

Gene: B3GLCT (beta 3-glucosyltransferase; plus strand). Cytogenetic location: 13q12.3.
Variant type: single nucleotide variant.
Coding change: c.716A>G on transcript NM_194318.4 (MANE Select); coding-DNA position 716, A replaced by G.
Protein change: p.Glu239Gly; replaces glutamic acid 239 with glycine.
Molecular consequence: missense variant.
Genome position (GRCh38, 1-based): chr13:31,274,564, A>G. VCF-style: chr13-31274564-A-G. GRCh37 (hg19) VCF-style: chr13-31848701-A-G.
Other names: short protein forms E239G.
Identifiers: ClinVar variation 1481707 (VCV001481707.6), dbSNP rs367648804, ClinGen allele CA247429129.

ClinVar aggregate classification (germline): Uncertain significance (1 of 4 stars; one submission).

Conditions:
Peters plus syndrome. Also called: KRAUSE-KIVLIN SYNDROME. Identifiers: Orphanet 709, MedGen C0796012, MONDO:0009856, OMIM 261540.

Allele frequency attached by ClinVar (database versions not stated): gnomAD exomes below 0.00001; gnomAD 0.00003; TOPMed 0.00006; ESP Exome Variant Server 0.00008.
gnomAD v4.1: 7 of 1,614,042 alleles (0.00043%); highest among the groups gnomAD compares: African/African-American, 0.0093%; no homozygotes.

Submission:

Labcorp Genetics (formerly Invitae), Labcorp
Classification: Uncertain significance for Peters plus syndrome. Last evaluated: 2021-09-26. Review status: criteria provided, single submitter. Criteria: Invitae Variant Classification Sherloc (09022015). Collection method: clinical testing. Allele origin: germline.
Comment: In summary, the available evidence is currently insufficient to determine the role of this variant in disease. Therefore, it has been classified as a Variant of Uncertain Significance. Algorithms developed to predict the effect of missense changes on protein structure and function are either unavailable or do not agree on the potential impact of this missense change (SIFT: "Deleterious"; PolyPhen-2: "Benign"; Align-GVGD: "Class C0"). This variant has not been reported in the literature in individuals affected with B3GLCT-related conditions. This variant is not present in population databases (ExAC no frequency). This sequence change replaces glutamic acid with glycine at codon 239 of the B3GLCT protein (p.Glu239Gly). The glutamic acid residue is moderately conserved and there is a moderate physicochemical difference between glutamic acid and glycine.